The following is an entry in ClinVar:

NM_001324418.2(ADAM22):c.881C>T (p.Ala294Val)

Gene: ADAM22 (ADAM metallopeptidase domain 22; plus strand). Cytogenetic location: 7q21.12.
Variant type: single nucleotide variant.
Coding change: c.881C>T on transcript NM_001324418.2 (MANE Select); coding-DNA position 881, C replaced by T.
Protein change: p.Ala294Val; replaces alanine 294 with valine.
Molecular consequence: missense variant.
Genome position (GRCh38, 1-based): chr7:88,131,324, C>T. VCF-style: chr7-88131324-C-T. GRCh37 (hg19) VCF-style: chr7-87760639-C-T.
Other names: c.878C>T, p.Ala293Val (NM_001324419.2, NM_001391978.1, NM_001391979.1 and 2 more transcripts); c.881C>T, p.Ala294Val (NM_001324420.2, NM_001324421.2, NM_001391976.1 and 6 more transcripts); c.932C>T, p.Ala311Val (NM_001391975.1, NM_001391980.1); c.881C>T (NM_021723.4); c.857C>T, p.Ala286Val (NM_001391982.1); short protein forms A286V, A294V, A293V, A311V.
Identifiers: ClinVar variation 4004897 (VCV004004897.2).

ClinVar aggregate classification (germline): Uncertain significance. Review status: criteria provided, multiple submitters, no conflicts (2 of 4 stars). 2 submissions from 2 submitters: Uncertain significance (2). Last evaluated 2025-09-15.

Conditions:
ADAM22-related disorder. Also called: ADAM22-related condition.
Inborn genetic diseases. Identifiers: MedGen C0950123, MeSH D030342.

gnomAD v4.1: 29 of 1,613,498 alleles (0.0018%); highest among the groups gnomAD compares: East Asian, 0.022%; no homozygotes.

Submissions (2):

PreventionGenetics, part of Exact Sciences
Classification: Uncertain significance for ADAM22-related condition. Last evaluated: 2025-09-15. Review status: criteria provided, single submitter. Criteria: ACMG Guidelines, 2015. Collection method: clinical testing. Allele origin: germline.
Comment: The ADAM22 c.881C>T variant is predicted to result in the amino acid substitution p.Ala294Val. To our knowledge, this variant has not been reported in the literature. This variant is reported in 0.033% of alleles in individuals of East Asian descent in gnomAD. At this time, the clinical significance of this variant is uncertain due to the absence of conclusive functional and genetic evidence.

Ambry Genetics
Classification: Uncertain significance for Inborn genetic diseases. Last evaluated: 2025-04-09. Review status: criteria provided, single submitter. Criteria: Ambry Variant Classification Scheme 2023. Collection method: clinical testing. Allele origin: germline.